The following is an entry in ClinVar:

ClinVar aggregate classification (germline): Conflicting classifications of pathogenicity. Review status: criteria provided, conflicting classifications (1 of 4 stars). 4 submissions from 4 submitters: Uncertain significance (2); Likely benign (1). 1 of the submissions does not count toward it. Last evaluated 2024-11-03.

Conditions:
Hereditary cancer-predisposing syndrome. Also called: Hereditary neoplastic syndrome; Tumor predisposition; Hereditary Cancer Syndrome; Neoplastic Syndromes, Hereditary. Identifiers: Orphanet 140162, MedGen C0027672, MeSH D009386, MONDO:0015356.
Familial cancer of breast. Also called: hereditary breast carcinoma; Hereditary breast cancer; BREAST CANCER, FAMILIAL. Identifiers: Orphanet 227535, MedGen C0346153, MONDO:0016419, OMIM 114480. Disease mechanism: loss of function.

gnomAD v4.1: 3 of 1,614,110 alleles (0.00019%); highest among the groups gnomAD compares: East Asian, 0.0067%; no homozygotes.

Submissions (4):

Labcorp Genetics (formerly Invitae), Labcorp
Classification: Uncertain significance for Familial cancer of breast. Last evaluated: 2024-11-03. Review status: criteria provided, single submitter. Criteria: Invitae Variant Classification Sherloc (09022015). Collection method: clinical testing. Allele origin: germline.
Comment: This sequence change replaces lysine, which is basic and polar, with isoleucine, which is neutral and non-polar, at codon 486 of the PALB2 protein (p.Lys486Ile). This variant is not present in population databases (gnomAD no frequency). This variant has not been reported in the literature in individuals affected with PALB2-related conditions. ClinVar contains an entry for this variant (Variation ID: 219875). Invitae Evidence Modeling of protein sequence and biophysical properties (such as structural, functional, and spatial information, amino acid conservation, physicochemical variation, residue mobility, and thermodynamic stability) indicates that this missense variant is not expected to disrupt PALB2 protein function with a negative predictive value of 80%. RNA analysis performed to evaluate the impact of this missense change on mRNA splicing indicates it does not significantly alter splicing (internal data). In summary, the available evidence is currently insufficient to determine the role of this variant in disease. Therefore, it has been classified as a Variant of Uncertain Significance.

Ambry Genetics
Classification: Likely benign for Hereditary cancer-predisposing syndrome. Last evaluated: 2024-02-16. Review status: criteria provided, single submitter. Criteria: Ambry Variant Classification Scheme 2023. Collection method: clinical testing. Allele origin: germline.

Women's Health and Genetics/Laboratory Corporation of America, LabCorp
Classification: Uncertain significance. Last evaluated: 2018-01-29. Review status: criteria provided, single submitter. Criteria: LabCorp Variant Classification Summary - May 2015. Collection method: clinical testing. Allele origin: germline.
Comment: Variant summary: PALB2 c.1457A>T (p.Lys486Ile) results in a non-conservative amino acid change in the encoded protein sequence. Three of five in-silico tools predict a damaging effect of the variant on protein function. The variant was absent in 121372 control chromosomes in ExAC. The available data on variant occurrences in the general population are insufficient to allow any conclusion about variant significance. To our knowledge, no occurrence of c.1457A>T in individuals affected with Hereditary Breast and Ovarian Cancer and no experimental evidence demonstrating its impact on protein function have been reported. One clinical diagnostic laboratory has submitted clinical-significance assessments for this variant to ClinVar after 2014 without evidence for independent evaluation, which classified the variant as uncertain significance. Based on the evidence outlined above, the variant was classified as uncertain significance.

Leiden Open Variation Database
Classification: Uncertain significance. Last evaluated: 2018-10-10. Review status: no assertion criteria provided. Collection method: curation. Allele origin: germline. Affected: yes. Not counted in ClinVar's aggregate classification.
Comment: Curators: Marc Tischkowitz, Arleen D. Auerbach. Submitter to LOVD: Yukihide Momozawa.

Literature cited by the submitters: PubMed 30287823 (cited by Ambry Genetics and Leiden Open Variation Database).

NM_024675.4(PALB2):c.1457A>T (p.Lys486Ile)

Gene: PALB2 (partner and localizer of BRCA2; minus strand). Cytogenetic location: 16p12.2.
Variant type: single nucleotide variant.
Coding change: c.1457A>T on transcript NM_024675.4 (MANE Select); coding-DNA position 1457, A replaced by T.
Protein change: p.Lys486Ile; replaces lysine 486 with isoleucine.
Molecular consequence: missense variant.
Genome position (GRCh38, 1-based): chr16:23,635,089, T>A on the plus strand (A>T on the coding strand, the complement: PALB2 is on the minus strand). VCF-style: chr16-23635089-T-A. GRCh37 (hg19) VCF-style: chr16-23646410-T-A.
Other names: short protein forms K486I.
Identifiers: ClinVar variation 219875 (VCV000219875.15), dbSNP rs864622291, ClinGen allele CA349277.